The following is an entry in ClinVar:

NM_016148.5(SHANK1):c.4296C>A (p.Ser1432=)

Gene: SHANK1 (SH3 and multiple ankyrin repeat domains 1; minus strand). Cytogenetic location: 19q13.33.
Variant type: single nucleotide variant.
Coding change: c.4296C>A on transcript NM_016148.5 (MANE Select); coding-DNA position 4296, C replaced by A.
Protein change: p.Ser1432=; no amino-acid change (serine 1432 retained).
Molecular consequence: synonymous variant.
Genome position (GRCh38, 1-based): chr19:50,667,664, G>T on the plus strand (C>A on the coding strand, the complement: SHANK1 is on the minus strand). VCF-style: chr19-50667664-G-T. GRCh37 (hg19) VCF-style: chr19-51170921-G-T.
Identifiers: ClinVar variation 2650358 (VCV002650358.24), dbSNP rs538161383, ClinGen allele CA309626795.

ClinVar aggregate classification (germline): Likely benign (1 of 4 stars; one submission).

Allele frequency attached by ClinVar (database versions not stated): 1000 Genomes Project 30x 0.00016; 1000 Genomes Project 0.00020.

Submission:

CeGaT Center for Human Genetics Tuebingen
Classification: Likely benign. Last evaluated: 2022-09-01. Review status: criteria provided, single submitter. Criteria: CeGaT Center For Human Genetics Tuebingen Variant Classification Criteria Version 2. Collection method: clinical testing. Allele origin: germline. Affected: yes. Observed: 1 variant allele.
Comment: SHANK1: BP4, BP7